The following is an entry in ClinVar:

NM_000322.5(PRPH2):c.412A>T (p.Met138Leu)

Gene: PRPH2 (peripherin 2; minus strand). Cytogenetic location: 6p21.1.
Variant type: single nucleotide variant.
Coding change: c.412A>T on transcript NM_000322.5 (MANE Select); coding-DNA position 412, A replaced by T.
Protein change: p.Met138Leu; replaces methionine 138 with leucine.
Molecular consequence: missense variant.
Genome position (GRCh38, 1-based): chr6:42,721,923, T>A on the plus strand (A>T on the coding strand, the complement: PRPH2 is on the minus strand). VCF-style: chr6-42721923-T-A. GRCh37 (hg19) VCF-style: chr6-42689661-T-A.
Other names: short protein forms M138L.
Identifiers: ClinVar variation 1497792 (VCV001497792.6), dbSNP rs771068866, ClinGen allele CA364137618.

ClinVar aggregate classification (germline): Uncertain significance (1 of 4 stars; one submission).

Conditions:
PRPH2-related disorder. Also called: PRPH2-related disorders; PRPH2-related condition. Identifiers: MedGen CN239395.

Submission:

Labcorp Genetics (formerly Invitae), Labcorp
Classification: Uncertain significance for PRPH2-related disorder. Last evaluated: 2021-10-18. Review status: criteria provided, single submitter. Criteria: Invitae Variant Classification Sherloc (09022015). Collection method: clinical testing. Allele origin: germline.
Comment: This variant has not been reported in the literature in individuals affected with PRPH2-related conditions. This variant is not present in population databases (ExAC no frequency). This sequence change replaces methionine with leucine at codon 138 of the PRPH2 protein (p.Met138Leu). The methionine residue is highly conserved and there is a small physicochemical difference between methionine and leucine. Advanced modeling of protein sequence and biophysical properties (such as structural, functional, and spatial information, amino acid conservation, physicochemical variation, residue mobility, and thermodynamic stability) performed at Invitae indicates that this missense variant is not expected to disrupt PRPH2 protein function. In summary, the available evidence is currently insufficient to determine the role of this variant in disease. Therefore, it has been classified as a Variant of Uncertain Significance.